The following is an entry in ClinVar:

NM_013336.4(SEC61A1):c.352+105T>A

Gene: SEC61A1 (SEC61 translocon subunit alpha 1; plus strand). Cytogenetic location: 3q21.3.
Variant type: single nucleotide variant.
Coding change: c.352+105T>A on transcript NM_013336.4 (MANE Select); 105 bases into the intron after coding-DNA position 352, T replaced by A.
Molecular consequence: intron variant.
Genome position (GRCh38, 1-based): chr3:128,056,945, T>A. VCF-style: chr3-128056945-T-A. GRCh37 (hg19) VCF-style: chr3-127775788-T-A.
Identifiers: ClinVar variation 1182610 (VCV001182610.5), dbSNP rs9847934, ClinGen allele CA11612553.
Genomic context (GRCh38, chr3:128,056,945, plus strand): 5'-TGAATTTGCTATAAGATTTTGGTATCAGTTTTTCTTTTTTTATTTATTTTTTATTTTTTT[T>A]TTTTTTTTTGAGATGGAGTCTTACTCTGTTGCCCAGGCTGGAGTGCAGTGACGCAGTCTT-3'

ClinVar aggregate classification (germline): Benign. Review status: criteria provided, multiple submitters, no conflicts (2 of 4 stars). 3 submissions from 3 submitters: Benign (3). Last evaluated 2024-01-24.

Allele frequency attached by ClinVar (database versions not stated): gnomAD exomes 0.85447; gnomAD 0.86403 and 0.86671; 1000 Genomes Project 0.86562; 1000 Genomes Project 30x 0.87117.

Submissions (3):

Unidad de Genómica Garrahan, Hospital de Pediatría Garrahan
Classification: Benign. Last evaluated: 2024-01-24. Review status: criteria provided, single submitter. Criteria: ACMG Guidelines, 2015. Collection method: clinical testing. Allele origin: germline. Affected: no. Observed: 24 variant alleles.
Comment: This variant is classified as Benign based on local population frequency. This variant was detected in 25% of patients studied by a panel of primary immunodeficiencies. Number of patients: 24. Only high quality variants are reported.

GeneDx
Classification: Benign. Last evaluated: 2019-09-02. Review status: criteria provided, single submitter. Criteria: GeneDx Variant Classification Process June 2021. Collection method: clinical testing. Allele origin: germline. Affected: yes.

Breakthrough Genomics
Classification: Benign. Review status: criteria provided, single submitter. Criteria: ACMG Guidelines, 2015. Collection method: not provided. Allele origin: germline. Inheritance: Autosomal dominant inheritance. Affected: yes.